The following is an entry in ClinVar:

ClinVar aggregate classification (germline): Uncertain significance. Review status: criteria provided, multiple submitters, no conflicts (2 of 4 stars). 2 submissions from 2 submitters: Uncertain significance (2). Last evaluated 2024-01-02.

Conditions:
Sialuria. Also called: SIALURIA, FRENCH TYPE; Sialic Acid Storage Disease. Identifiers: Orphanet 3166, MedGen C0342853, MONDO:0010028, OMIM 269921.
GNE myopathy (NM). Also called: NONAKA DISTAL MYOPATHY; INCLUSION BODY MYOPATHY, HEREDITARY, AUTOSOMAL RECESSIVE; INCLUSION BODY MYOPATHY 2, AUTOSOMAL RECESSIVE; MYOPATHY, DISTAL, WITH OR WITHOUT RIMMED VACUOLES; IBM 2; Inclusion body myopathy autosomal recessive. Identifiers: Orphanet 602, MedGen C1853926, MONDO:0011603, OMIM 605820.

Allele frequency attached by ClinVar (database versions not stated): gnomAD exomes below 0.00001; gnomAD 0.00001.
gnomAD v4.1: 3 of 1,614,074 alleles (0.00019%); highest among the groups gnomAD compares: African/African-American, 0.0013%; no homozygotes.

Submissions (2):

Revvity Omics, Revvity
Classification: Uncertain significance. Last evaluated: 2024-01-02. Review status: criteria provided, single submitter. Criteria: ACMG Guidelines, 2015. Collection method: clinical testing. Allele origin: germline.

Labcorp Genetics (formerly Invitae), Labcorp
Classification: Uncertain significance for Sialuria; GNE myopathy. Last evaluated: 2023-08-30. Review status: criteria provided, single submitter. Criteria: Invitae Variant Classification Sherloc (09022015). Collection method: clinical testing. Allele origin: germline.
Comment: In summary, the available evidence is currently insufficient to determine the role of this variant in disease. Therefore, it has been classified as a Variant of Uncertain Significance. Advanced modeling of protein sequence and biophysical properties (such as structural, functional, and spatial information, amino acid conservation, physicochemical variation, residue mobility, and thermodynamic stability) has been performed at Invitae for this missense variant, however the output from this modeling did not meet the statistical confidence thresholds required to predict the impact of this variant on GNE protein function. This variant has not been reported in the literature in individuals affected with GNE-related conditions. This variant is not present in population databases (gnomAD no frequency). This sequence change replaces threonine, which is neutral and polar, with isoleucine, which is neutral and non-polar, at codon 65 of the GNE protein (p.Thr65Ile).

NM_005476.7(GNE):c.101C>T (p.Thr34Ile)

Gene: GNE (glucosamine (UDP-N-acetyl)-2-epimerase/N-acetylmannosamine kinase; minus strand). Cytogenetic location: 9p13.3.
Variant type: single nucleotide variant.
Coding change: c.101C>T on transcript NM_005476.7 (MANE Select); coding-DNA position 101, C replaced by T.
Protein change: p.Thr34Ile; replaces threonine 34 with isoleucine.
Molecular consequence: missense variant. On other transcripts: intron variant (3).
Genome position (GRCh38, 1-based): chr9:36,249,255, G>A on the plus strand (C>T on the coding strand, the complement: GNE is on the minus strand). VCF-style: chr9-36249255-G-A. GRCh37 (hg19) VCF-style: chr9-36249252-G-A.
Other names: c.194C>T, p.Thr65Ile (NM_001128227.3); c.101C>T, p.Thr34Ile (NM_001190383.3, NM_001374797.1); c.-13-2773C>T (NM_001190388.2, NM_001190384.3, NM_001374798.1); short protein forms T65I, T34I.
Identifiers: ClinVar variation 2927449 (VCV002927449.4), dbSNP rs1830020596, ClinGen allele CA373421788.